The following is an entry in ClinVar:

NM_024753.5(TTC21B):c.3463G>T (p.Glu1155Ter)

Gene: TTC21B (tetratricopeptide repeat domain 21B; minus strand). Cytogenetic location: 2q24.3.
Variant type: single nucleotide variant.
Coding change: c.3463G>T on transcript NM_024753.5 (MANE Select); coding-DNA position 3463, G replaced by T.
Protein change: p.Glu1155Ter; replaces glutamic acid 1155 with a stop codon.
Molecular consequence: nonsense.
Genome position (GRCh38, 1-based): chr2:165,884,015, C>A on the plus strand (G>T on the coding strand, the complement: TTC21B is on the minus strand). VCF-style: chr2-165884015-C-A. GRCh37 (hg19) VCF-style: chr2-166740525-C-A.
Other names: short protein forms E1155*.
Identifiers: ClinVar variation 4990353 (VCV004990353.1).

ClinVar aggregate classification (germline): Likely pathogenic (1 of 4 stars; one submission).

Conditions:
TTC21B-related disorder. Also called: TTC21B-related disorders; TTC21B-related condition.

Submission:

PreventionGenetics, part of Exact Sciences
Classification: Likely pathogenic for TTC21B-related condition. Last evaluated: 2025-10-16. Review status: criteria provided, single submitter. Criteria: ACMG Guidelines, 2015. Collection method: clinical testing. Allele origin: germline.
Comment: The TTC21B c.3463G>T variant is predicted to result in premature protein termination (p.Glu1155*). To our knowledge, this variant has not been reported in the literature or in a large population database (gnomAD), indicating this variant is rare. Nonsense variants in TTC21B are expected to be pathogenic. This variant is interpreted as likely pathogenic.